The following is an entry in ClinVar:

ClinVar aggregate classification (germline): Uncertain significance (1 of 4 stars; one submission).

Conditions:
Cohen syndrome (COH1). Also called: PEPPER SYNDROME; Cutis verticis gyrata, retinitis pigmentosa, and sensorineural deafness. Identifiers: Orphanet 193, MedGen C0265223, MONDO:0008999, OMIM 216550.

Allele frequency attached by ClinVar (database versions not stated): gnomAD exomes below 0.00001 and 0.00001.
gnomAD v4.1: 5 of 1,613,790 alleles (0.00031%); highest among the groups gnomAD compares: East Asian, 0.0022%; no homozygotes.

Submission:

Labcorp Genetics (formerly Invitae), Labcorp
Classification: Uncertain significance for Cohen syndrome. Last evaluated: 2022-02-04. Review status: criteria provided, single submitter. Criteria: Invitae Variant Classification Sherloc (09022015). Collection method: clinical testing. Allele origin: germline.
Comment: This sequence change replaces aspartic acid, which is acidic and polar, with asparagine, which is neutral and polar, at codon 3073 of the VPS13B protein (p.Asp3073Asn). This variant is present in population databases (no rsID available, gnomAD 0.01%). This variant has not been reported in the literature in individuals affected with VPS13B-related conditions. Algorithms developed to predict the effect of missense changes on protein structure and function are either unavailable or do not agree on the potential impact of this missense change (SIFT: "Not Available"; PolyPhen-2: "Possibly Damaging"; Align-GVGD: "Not Available"). In summary, the available evidence is currently insufficient to determine the role of this variant in disease. Therefore, it has been classified as a Variant of Uncertain Significance.

NM_152564.5(VPS13B):c.9142G>A (p.Asp3048Asn)

Gene: VPS13B (vacuolar protein sorting 13 homolog B; plus strand). Cytogenetic location: 8q22.2.
Variant type: single nucleotide variant.
Coding change: c.9142G>A on transcript NM_152564.5 (MANE Select); coding-DNA position 9142, G replaced by A.
Protein change: p.Asp3048Asn; replaces aspartic acid 3048 with asparagine.
Molecular consequence: missense variant.
Genome position (GRCh38, 1-based): chr8:99,821,441, G>A. VCF-style: chr8-99821441-G-A. GRCh37 (hg19) VCF-style: chr8-100833669-G-A.
Other names: c.9217G>A, p.Asp3073Asn (NM_017890.5); short protein forms D3048N, D3073N.
Identifiers: ClinVar variation 1431277 (VCV001431277.5), dbSNP rs1480540038, ClinGen allele CA371779173.
Genomic context (GRCh38, chr8:99,821,441, plus strand): 5'-CCAAAGTGGAAAGATGGAGGTAATGGTGAAGTTGTGACACTGGATGAAGAAGCGTTTGTT[G>A]ATACTGAAATAAGACTTGGTGCTTTTCCAGGACATCAGAAGGTAAGATCAAAGTCTATGT-3'
Protein context (NP_689777.3, residues 3038-3058): VVTLDEEAFV[Asp3048Asn]TEIRLGAFPG